The following is an entry in ClinVar:

NM_001349253.2(SCN11A):c.3309G>A (p.Leu1103=)

Gene: SCN11A (sodium voltage-gated channel alpha subunit 11; minus strand). Cytogenetic location: 3p22.2.
Variant type: single nucleotide variant.
Coding change: c.3309G>A on transcript NM_001349253.2 (MANE Select); coding-DNA position 3309, G replaced by A.
Protein change: p.Leu1103=; no amino-acid change (leucine 1103 retained).
Molecular consequence: synonymous variant.
Genome position (GRCh38, 1-based): chr3:38,880,034, C>T on the plus strand (G>A on the coding strand, the complement: SCN11A is on the minus strand). VCF-style: chr3-38880034-C-T. GRCh37 (hg19) VCF-style: chr3-38921525-C-T.
Other names: c.3309G>A, p.Leu1103= (NM_014139.3).
Identifiers: ClinVar variation 1490275 (VCV001490275.8), dbSNP rs2065282402, ClinGen allele CA433142444.

ClinVar aggregate classification (germline): Uncertain significance (1 of 4 stars; one submission).

Conditions:
Familial episodic pain syndrome with predominantly lower limb involvement. Also called: Episodic pain syndrome, familial, 3. Identifiers: Orphanet 391384, Orphanet 391392, MedGen C3809899, MONDO:0014247, OMIM 615552.
Hereditary sensory and autonomic neuropathy type 7. Also called: HSAN VII; Neuropathy, hereditary sensory and autonomic, type VII. Identifiers: Orphanet 391397, MedGen C3809882, MONDO:0014244, OMIM 615548.

Allele frequency attached by ClinVar (database versions not stated): TOPMed below 0.00001; gnomAD 0.00001.
gnomAD v4.1: 1 of 1,611,350 alleles (0.000062%); highest among the groups gnomAD compares: Admixed American, 0.0017%; no homozygotes.

Submission:

Labcorp Genetics (formerly Invitae), Labcorp
Classification: Uncertain significance for Familial episodic pain syndrome with predominantly lower limb involvement; Hereditary sensory and autonomic neuropathy type 7. Last evaluated: 2021-04-23. Review status: criteria provided, single submitter. Criteria: Invitae Variant Classification Sherloc (09022015). Collection method: clinical testing. Allele origin: germline.
Comment: In summary, the available evidence is currently insufficient to determine the role of this variant in disease. Therefore, it has been classified as a Variant of Uncertain Significance. Algorithms developed to predict the effect of sequence changes on RNA splicing suggest that this variant may create or strengthen a splice site, but this prediction has not been confirmed by published transcriptional studies. This variant has not been reported in the literature in individuals with SCN11A-related conditions. This variant is not present in population databases (ExAC no frequency). This sequence change affects codon 1103 of the SCN11A mRNA. It is a 'silent' change, meaning that it does not change the encoded amino acid sequence of the SCN11A protein.